The following is an entry in ClinVar:

ClinVar aggregate classification (germline): Uncertain significance (1 of 4 stars; one submission).

Submission:

GeneDx
Classification: Uncertain significance. Last evaluated: 2024-04-08. Review status: criteria provided, single submitter. Criteria: GeneDx Variant Classification Process June 2021. Collection method: clinical testing. Allele origin: germline. Affected: yes.
Comment: Not observed at significant frequency in large population cohorts (gnomAD); In silico analysis supports that this missense variant has a deleterious effect on protein structure/function; Has not been previously published as pathogenic or benign to our knowledge

NM_006421.5(ARFGEF1):c.4328A>C (p.Gln1443Pro)

Gene: ARFGEF1 (ARF guanine nucleotide exchange factor 1; minus strand). Cytogenetic location: 8q13.2.
Variant type: single nucleotide variant.
Coding change: c.4328A>C on transcript NM_006421.5 (MANE Select); coding-DNA position 4328, A replaced by C.
Protein change: p.Gln1443Pro; replaces glutamine 1443 with proline.
Molecular consequence: missense variant. On other transcripts: non-coding transcript variant (1).
Genome position (GRCh38, 1-based): chr8:67,219,441, T>G on the plus strand (A>C on the coding strand, the complement: ARFGEF1 is on the minus strand). VCF-style: chr8-67219441-T-G. GRCh37 (hg19) VCF-style: chr8-68131676-T-G.
Other names: c.4328A>C, p.Gln1443Pro (NM_001413184.1, NM_001413185.1, NM_001413186.1 and 5 more transcripts); c.3728A>C, p.Gln1243Pro (NM_001413188.1, NM_001413193.1, NM_001413197.1); c.4322A>C, p.Gln1441Pro (NM_001413190.1); c.2903A>C, p.Gln968Pro (NM_001413196.1); short protein forms Q1243P, Q1441P, Q1443P, Q968P.
Identifiers: ClinVar variation 3371652 (VCV003371652.1).
Genomic context (GRCh38, chr8:67,219,441, plus strand): 5'-GAGAATCTTTTAACTTGACTAAGCTAAATGAAAATTGTGTATCCTCTTACCTCTGTCTGT[T>G]GTTCTGGCAATTTCATATTGTCAAAGATTCTGAAAACAATTCTAAATAAATCCTGCCACC-3'
Protein context (NP_006412.2, residues 1433-1453): RIFDNMKLPE[Gln1443Pro]QTEKAEWMTT